The following is an entry in ClinVar:

NM_003919.3(SGCE):c.109+3dup

Gene: SGCE (sarcoglycan epsilon; minus strand). Cytogenetic location: 7q21.3.
Variant type: Duplication.
Coding change: c.109+3dup on transcript NM_003919.3 (MANE Select); 3 bases into the intron after coding-DNA position 109, one base duplicated (T; older notation c.109+3dupT).
Molecular consequence: splice donor variant.
Genome position (GRCh38, 1-based): chr7:94,655,987, A duplicated on the plus strand (T on the coding strand, the reverse complement: SGCE is on the minus strand); the first of 2 consecutive A bases (chr7:94,655,987-94,655,988); duplicating either gives the same sequence. VCF-style (leftmost placement, unchanged base first): chr7-94655986-T-TA. GRCh37 (hg19) VCF-style: chr7-94285298-T-TA.
Other names: c.109+3dup (NM_001362809.2, NM_001301139.2, NM_001346717.2 and 4 more transcripts); c.-155+3dup (NM_001362807.2); c.-227+3dup (NM_001362808.2, NM_001346720.2); c.-149+3dup (NM_001346719.2).
Identifiers: ClinVar variation 1517002 (VCV001517002.6), dbSNP rs2117137426, ClinGen allele CA2573142519.

ClinVar aggregate classification (germline): Uncertain significance (1 of 4 stars; one submission).

Conditions:
Myoclonic dystonia 11 (DYT11). Also called: DYT-SGCE; Myoclonic dystonia; Dystonia 11; Dystonia, alcohol responsive; Hereditary essential myoclonus; SGCE Myoclonus-Dystonia. Identifiers: Orphanet 36899, MedGen C1834570, MONDO:0008044, OMIM 159900.

Submission:

Labcorp Genetics (formerly Invitae), Labcorp
Classification: Uncertain significance for Myoclonic dystonia 11. Last evaluated: 2021-03-16. Review status: criteria provided, single submitter. Criteria: Invitae Variant Classification Sherloc (09022015). Collection method: clinical testing. Allele origin: germline.
Comment: In summary, the available evidence is currently insufficient to determine the role of this variant in disease. Therefore, it has been classified as a Variant of Uncertain Significance. Nucleotide substitutions within the consensus splice site are a relatively common cause of aberrant splicing (PMID: 17576681, 9536098). Algorithms developed to predict the effect of sequence changes on RNA splicing suggest that this variant may disrupt the consensus splice site, but this prediction has not been confirmed by published transcriptional studies. This variant has not been reported in the literature in individuals with SGCE-related conditions. This variant is not present in population databases (ExAC no frequency). This sequence change falls in intron 1 of the SGCE gene. It does not directly change the encoded amino acid sequence of the SGCE protein. It affects a nucleotide within the consensus splice site of the intron.

Literature cited by the submitters: PubMed 17576681; PubMed 9536098.